The following is an entry in ClinVar:

ClinVar aggregate classification (germline): Uncertain significance (1 of 4 stars; one submission).

Conditions:
3-methylglutaconic aciduria with deafness, encephalopathy, and Leigh-like syndrome (MEGDEL). Also called: 3-METHYLGLUTACONIC ACIDURIA, TYPE VI; SERAC1 Deficiency; MEGDEL syndrome. Identifiers: Orphanet 352328, MedGen C4040739, MONDO:0013875, OMIM 614739.

Allele frequency attached by ClinVar (database versions not stated): gnomAD exomes below 0.00001.

Submission:

Neuberg Centre For Genomic Medicine, NCGM
Classification: Uncertain significance for 3-methylglutaconic aciduria with deafness, encephalopathy, and Leigh-like syndrome. Review status: criteria provided, single submitter. Criteria: ACMG Guidelines, 2015. Collection method: clinical testing. Allele origin: germline. Inheritance: Autosomal recessive inheritance. Affected: yes.
Comment: The frame shift (c.1693_1694dup) variant has not been reported previously as a pathogenic variant nor as a benign variant, to our knowledge. The p.Leu566HisfsTer21 variant is novel (not in any individuals) in gnomAD Exomes and 1000 Genomes. This variant causes a frameshift starting with codon Leucine 566, changes this amino acid to Histidine residue, and creates a premature Stop codon at position 21 of the new reading frame, denoted p.Leu566HisfsTer21. Loss of function variants have been previously reported to be disease causing. However, this variant is present in the penultimate exon functional studies will be required to prove protein truncation. For these reasons, this variant has been classified as Uncertain Significance (VUS).

NM_032861.4(SERAC1):c.1693_1694dup (p.Leu566fs)

Gene: SERAC1 (serine active site containing 1; minus strand). Cytogenetic location: 6q25.3.
Variant type: Duplication.
Coding change: c.1693_1694dup on transcript NM_032861.4 (MANE Select); coding-DNA positions 1693 to 1694, 2 bases duplicated (GC; older notation c.1693_1694dupGC).
Protein change: p.Leu566fs; shifts the reading frame from leucine 566.
Molecular consequence: frameshift variant.
Genome position (GRCh38, 1-based): chr6:158,113,583-158,113,584, GC duplicated on the plus strand (GC on the coding strand, the reverse complement: SERAC1 is on the minus strand). VCF-style (leftmost placement, unchanged base first): chr6-158113582-T-TGC. GRCh37 (hg19) VCF-style: chr6-158534614-T-TGC.
Other names: short protein forms L566fs.
Identifiers: ClinVar variation 2585592 (VCV002585592.1), dbSNP rs2483456391, ClinGen allele CA2582341716.
Genomic context (GRCh38, chr6:158,113,582, plus strand): 5'-CAGCACCTGGAAGTTTTTGTCTTTAGCAAACTCCAGAAAGTCATCTTGTAGTGTTTTAAG[T>TGC]GCAGGAGAATCTGTAAAATTATACAGAACAAGACTGTGACAAGTTGTTTACCCAATTCAT-3'